The following is an entry in ClinVar:

ClinVar aggregate classification (germline): Uncertain significance (1 of 4 stars; one submission).

Allele frequency attached by ClinVar (database versions not stated): ExAC 0.00001; gnomAD exomes 0.00002.
gnomAD v4.1: 27 of 1,613,934 alleles (0.0017%); highest among the groups gnomAD compares: East Asian, 0.0045%; no homozygotes.

Submission:

Labcorp Genetics (formerly Invitae), Labcorp
Classification: Uncertain significance. Last evaluated: 2022-02-07. Review status: criteria provided, single submitter. Criteria: Invitae Variant Classification Sherloc (09022015). Collection method: clinical testing. Allele origin: germline.
Comment: This sequence change replaces arginine, which is basic and polar, with cysteine, which is neutral and slightly polar, at codon 303 of the ZMPSTE24 protein (p.Arg303Cys). This variant is present in population databases (rs775139554, gnomAD 0.006%). This variant has not been reported in the literature in individuals affected with ZMPSTE24-related conditions. Algorithms developed to predict the effect of missense changes on protein structure and function output the following: SIFT: "Not Available"; PolyPhen-2: "Possibly Damaging"; Align-GVGD: "Not Available". The cysteine amino acid residue is found in multiple mammalian species, which suggests that this missense change does not adversely affect protein function. In summary, the available evidence is currently insufficient to determine the role of this variant in disease. Therefore, it has been classified as a Variant of Uncertain Significance.

NM_005857.5(ZMPSTE24):c.907C>T (p.Arg303Cys)

Gene: ZMPSTE24 (zinc metallopeptidase STE24; plus strand). Cytogenetic location: 1p34.2.
Variant type: single nucleotide variant.
Coding change: c.907C>T on transcript NM_005857.5 (MANE Select); coding-DNA position 907, C replaced by T.
Protein change: p.Arg303Cys; replaces arginine 303 with cysteine.
Molecular consequence: missense variant.
Genome position (GRCh38, 1-based): chr1:40,281,480, C>T. VCF-style: chr1-40281480-C-T. GRCh37 (hg19) VCF-style: chr1-40747152-C-T.
Other names: short protein forms R303C.
Identifiers: ClinVar variation 2081959 (VCV002081959.2), dbSNP rs775139554, ClinGen allele CA791106.